The following is an entry in ClinVar:

ClinVar aggregate classification (germline): Uncertain significance (1 of 4 stars; one submission).

Submission:

Quest Diagnostics Nichols Institute San Juan Capistrano
Classification: Uncertain significance. Last evaluated: 2023-06-30. Review status: criteria provided, single submitter. Criteria: Quest Diagnostics criteria. Collection method: clinical testing. Allele origin: unknown.
Comment: To the best of our knowledge, this variant has not been reported in individuals with RAD50-related conditions in the published literature. It also has not been reported in large, multi-ethnic general populations (Genome Aggregation Database). Analysis of this variant using bioinformatics tools for the prediction of the effect of amino acid changes on protein structure and function yielded conflicting predictions that this variant is benign or damaging. Based on the available information, we are unable to determine the clinical significance of this variant.

NM_005732.4(RAD50):c.3064C>A (p.Leu1022Ile)

Gene: RAD50 (RAD50 double strand break repair protein; plus strand). Cytogenetic location: 5q31.1.
Variant type: single nucleotide variant.
Coding change: c.3064C>A on transcript NM_005732.4 (MANE Select); coding-DNA position 3064, C replaced by A.
Protein change: p.Leu1022Ile; replaces leucine 1022 with isoleucine.
Molecular consequence: missense variant.
Genome position (GRCh38, 1-based): chr5:132,616,030, C>A. VCF-style: chr5-132616030-C-A. GRCh37 (hg19) VCF-style: chr5-131951722-C-A.
Other names: short protein forms L1022I.
Identifiers: ClinVar variation 2682066 (VCV002682066.1), dbSNP rs2479384298, ClinGen allele CA360963476.
Genomic context (GRCh38, chr5:132,616,030, plus strand): 5'-ATTTTTGTTAACTAATTTAATGTTTACCTTTAGATACAAGAAAGGTGGCTACAAGATAAC[C>A]TTACTTTAAGAAAAAGAAATGAGGAACTAAAAGAAGTTGAAGAAGAAAGAAAACAACATT-3'
Protein context (NP_005723.2, residues 1012-1032): KIQERWLQDN[Leu1022Ile]TLRKRNEELK